The following is an entry in ClinVar:

NC_000023.10:g.(?_22012410)_(22151761_?)del

Genes: PHEX (phosphate regulating endopeptidase X-linked; plus strand), SMS (spermine synthase; plus strand). Cytogenetic location: Xp22.11.
Variant type: Deletion.
Identifiers: ClinVar variation 1456648 (VCV001456648.4).

ClinVar aggregate classification (germline): Pathogenic (1 of 4 stars; one submission).

Submission:

Labcorp Genetics (formerly Invitae), Labcorp
Classification: Pathogenic. Last evaluated: 2021-11-25. Review status: criteria provided, single submitter. Criteria: Invitae Variant Classification Sherloc (09022015). Collection method: clinical testing. Allele origin: germline.
Comment: For these reasons, this variant has been classified as Pathogenic. This variant has not been reported in the literature in individuals affected with PHEX-related conditions. This variant is a gross deletion of the genomic region encompassing exon(s) 1-12 of the PHEX gene, which includes the initiator codon. This deletion extends beyond the assayed region for this gene and therefore may encompass additional genes. It is expected to result in an absent or disrupted protein product. Loss-of-function variants in PHEX are known to be pathogenic (PMID: 9097956, 9106524, 19219621).

Literature cited by the submitters: PubMed 9097956; PubMed 9106524; PubMed 19219621.